The following is an entry in ClinVar:

ClinVar aggregate classification (germline): Pathogenic/Likely pathogenic. Review status: criteria provided, multiple submitters, no conflicts (2 of 4 stars). 2 submissions from 2 submitters: Pathogenic (1); Likely pathogenic (1). Last evaluated 2022-04-22.

Conditions:
Arrhythmogenic cardiomyopathy with wooly hair and keratoderma. Also called: Dilated cardiomyopathy with woolly hair and keratoderma; PALMOPLANTAR KERATODERMA WITH LEFT VENTRICULAR CARDIOMYOPATHY AND WOOLLY HAIR; Carvajal syndrome; Arrhythmogenic cardiomyopathy with woolly hair and keratoderma. Identifiers: Orphanet 65282, MedGen C1854063, MONDO:0011581, OMIM 605676.
Arrhythmogenic right ventricular dysplasia 8 (ARVD8). Also called: Arrhythmogenic Right Ventricular Dysplasia/Cardiomyopathy 8; ARRHYTHMOGENIC RIGHT VENTRICULAR DYSPLASIA, FAMILIAL, 8; ARRHYTHMOGENIC RIGHT VENTRICULAR CARDIOMYOPATHY 8. Identifiers: MedGen C1843896, MONDO:0011831, OMIM 607450.
Cardiomyopathy (CMYO). Also called: Cardiomyopathies. Identifiers: Orphanet 167848, MedGen C0878544, MONDO:0004994, HP:0001638. Inheritance: Various modes of inheritance.

Submissions (2):

Labcorp Genetics (formerly Invitae), Labcorp
Classification: Pathogenic for Arrhythmogenic cardiomyopathy with wooly hair and keratoderma; Arrhythmogenic right ventricular dysplasia 8. Last evaluated: 2022-04-22. Review status: criteria provided, single submitter. Criteria: Invitae Variant Classification Sherloc (09022015). Collection method: clinical testing. Allele origin: germline.
Comment: This sequence change creates a premature translational stop signal (p.Gln1925*) in the DSP gene. While this is not anticipated to result in nonsense mediated decay, it is expected to disrupt the last 947 amino acid(s) of the DSP protein. For these reasons, this variant has been classified as Pathogenic. This variant disrupts a region of the DSP protein in which other variant(s) (p.Glu2728Glyfs*11) have been determined to be pathogenic (Invitae). This suggests that this is a clinically significant region of the protein, and that variants that disrupt it are likely to be disease-causing. ClinVar contains an entry for this variant (Variation ID: 1171279). This variant has not been reported in the literature in individuals affected with DSP-related conditions. This variant is not present in population databases (gnomAD no frequency).

Color Diagnostics, LLC DBA Color Health
Classification: Likely pathogenic for Cardiomyopathy. Last evaluated: 2021-01-11. Review status: criteria provided, single submitter. Criteria: ACMG Guidelines, 2015. Collection method: clinical testing. Allele origin: germline.
Comment: This variant changes 1 nucleotide in exon 24 of the DSP gene, creating a premature translation stop signal in the last exon. The mutant transcript is expected to escape nonsense-mediated decay and be expressed as a truncated protein product lacking C-terminal plakin repeat domains that bind intermediate filaments (PMID: 12101406, 21756917). To our knowledge, this variant has not been reported in individuals affected with cardiovascular disorders in the literature. This variant has not been identified in the general population by the Genome Aggregation Database (gnomAD). Truncations (p.Arg1951*, p.Arg2166*) that lie downstream of this variant have been reported in individuals affected with arrhythmogenic right ventricular cardiomyopathy/dysplasia or dilated cardiomyopathy (ClinVar variation ID: 199903, 222582). Loss of DSP function is a known mechanism of disease. Based on the available evidence, this variant is classified as Likely Pathogenic.

NM_004415.4(DSP):c.5773C>T (p.Gln1925Ter)

Gene: DSP (desmoplakin; plus strand). Cytogenetic location: 6p24.3.
Variant type: single nucleotide variant.
Coding change: c.5773C>T on transcript NM_004415.4 (MANE Select); coding-DNA position 5773, C replaced by T.
Protein change: p.Gln1925Ter; replaces glutamine 1925 with a stop codon.
Molecular consequence: nonsense.
Genome position (GRCh38, 1-based): chr6:7,583,035, C>T. VCF-style: chr6-7583035-C-T. GRCh37 (hg19) VCF-style: chr6-7583268-C-T.
Other names: c.3976C>T, p.Gln1326Ter (NM_001008844.3); c.4444C>T, p.Gln1482Ter (NM_001319034.2); short protein forms Q1326*, Q1482*, Q1925*.
Identifiers: ClinVar variation 1171279 (VCV001171279.7), dbSNP rs2113698710, ClinGen allele CA362689383.